The following is an entry in ClinVar:

NM_006846.4(SPINK5):c.283C>T (p.Leu95=)

Gene: SPINK5 (serine peptidase inhibitor Kazal type 5; plus strand). Cytogenetic location: 5q32.
Variant type: single nucleotide variant.
Coding change: c.283C>T on transcript NM_006846.4 (MANE Select); coding-DNA position 283, C replaced by T.
Protein change: p.Leu95=; no amino-acid change (leucine 95 retained).
Molecular consequence: synonymous variant.
Genome position (GRCh38, 1-based): chr5:148,086,405, C>T. VCF-style: chr5-148086405-C-T. GRCh37 (hg19) VCF-style: chr5-147465968-C-T.
Other names: c.283C>T, p.Leu95= (NM_001127698.2, NM_001127699.2).
Identifiers: ClinVar variation 1349542 (VCV001349542.6), dbSNP rs1231707335, ClinGen allele CA447026403.

ClinVar aggregate classification (germline): Uncertain significance (1 of 4 stars; one submission).

Conditions:
Ichthyosis linearis circumflexa. Identifiers: MedGen C0265962, MONDO:0043106, HP:0025810.

Allele frequency attached by ClinVar (database versions not stated): gnomAD exomes below 0.00001; TOPMed below 0.00001; gnomAD 0.00001.
gnomAD v4.1: 3 of 1,610,102 alleles (0.00019%); highest among the groups gnomAD compares: Admixed American, 0.0033%; no homozygotes.

Submission:

Labcorp Genetics (formerly Invitae), Labcorp
Classification: Uncertain significance for Ichthyosis linearis circumflexa. Last evaluated: 2021-08-18. Review status: criteria provided, single submitter. Criteria: Invitae Variant Classification Sherloc (09022015). Collection method: clinical testing. Allele origin: germline.
Comment: This variant has not been reported in the literature in individuals affected with SPINK5-related conditions. This variant is not present in population databases (ExAC no frequency). This sequence change affects codon 95 of the SPINK5 mRNA. It is a 'silent' change, meaning that it does not change the encoded amino acid sequence of the SPINK5 protein. It affects a nucleotide within the consensus splice site of the intron. Algorithms developed to predict the effect of sequence changes on RNA splicing suggest that this variant is not likely to affect RNA splicing. In summary, the available evidence is currently insufficient to determine the role of this variant in disease. Therefore, it has been classified as a Variant of Uncertain Significance.